The following is an entry in ClinVar:

ClinVar aggregate classification (germline): Likely pathogenic (1 of 4 stars; one submission).

Conditions:
Benign neonatal seizures. Also called: Benign familial neonatal epilepsy; Convulsions benign familial neonatal dominant form; Autosomal dominant form of benign neonatal seizures; Benign neonatal familial convulsions; Benign familial neonatal seizures. Identifiers: Orphanet 1949, MedGen C0220669, MONDO:0016027.

Submission:

Labcorp Genetics (formerly Invitae), Labcorp
Classification: Likely pathogenic for Benign neonatal seizures. Last evaluated: 2019-07-16. Review status: criteria provided, single submitter. Criteria: Invitae Variant Classification Sherloc (09022015). Collection method: clinical testing. Allele origin: germline.
Comment: In summary, the currently available evidence indicates that the variant is pathogenic, but additional data are needed to prove that conclusively. Therefore, this variant has been classified as Likely Pathogenic. Loss-of-function variants in KCNQ3 are known to be pathogenic (PMID: 29383681, 29852413). This variant has not been reported in the literature in individuals with KCNQ3-related conditions. This variant results in a copy number gain of the genomic region encompassing exons 2-4 of the KCNQ3 gene. While the exact position of this variant cannot be determined from this data, sub-genic copy number gains are generally in tandem (PMID: 25640679) and may result in an absent or disrupted protein product.

Literature cited by the submitters: PubMed 29383681; PubMed 29852413; PubMed 25640679.

NC_000008.11:g.(?_132180137)_(132186201_?)dup

Gene: KCNQ3 (potassium voltage-gated channel subfamily Q member 3; minus strand). Cytogenetic location: 8q24.22.
Variant type: Duplication.
Identifiers: ClinVar variation 831959 (VCV000831959.5).